The following is an entry in ClinVar:

NM_001077365.2(POMT1):c.987-1G>A

Gene: POMT1 (protein O-mannosyltransferase 1; plus strand). Cytogenetic location: 9q34.13.
Variant type: single nucleotide variant.
Coding change: c.987-1G>A on transcript NM_001077365.2 (MANE Select); the canonical splice acceptor site of the intron before coding-DNA position 987, G replaced by A.
Molecular consequence: splice acceptor variant. On other transcripts: intron variant (1).
Genome position (GRCh38, 1-based): chr9:131,512,040, G>A. VCF-style: chr9-131512040-G-A. GRCh37 (hg19) VCF-style: chr9-134387427-G-A.
Other names: c.891-1G>A (NM_001353198.2, NM_001353197.2); c.1053-1G>A (NM_001353193.2, NM_007171.4); c.987-1G>A (NM_001136113.2, NM_001374690.1); c.825-1G>A (NM_001353194.2, NM_001077366.2); c.636-1G>A (NM_001374691.1, NM_001353195.2, NM_001374692.1 and 1 more transcripts); c.897-1G>A (NM_001353196.2); c.597-1G>A (NM_001374695.1); c.975-1G>A (NM_001374689.1); and 4 more.
Identifiers: ClinVar variation 3754526 (VCV003754526.2).

ClinVar aggregate classification (germline): Likely pathogenic (1 of 4 stars; one submission).

Conditions:
Muscular dystrophy-dystroglycanopathy (congenital with impaired intellectual development), type B, 1. Also called: MUSCULAR DYSTROPHY, CONGENITAL, POMT1-RELATED; Muscular dystrophy-dystroglycanopathy (congenital with intellectual disability), type B1. Identifiers: MedGen C5436962, MONDO:0013159, OMIM 613155.
Walker-Warburg congenital muscular dystrophy. Also called: Muscular dystrophy-dystroglycanopathy, type A; Walker-Warburg syndrome. Identifiers: Orphanet 899, MedGen C0265221, MONDO:0000171.
Autosomal recessive limb-girdle muscular dystrophy type 2K. Also called: MUSCULAR DYSTROPHY-DYSTROGLYCANOPATHY (LIMB-GIRDLE), TYPE C, 1; MUSCULAR DYSTROPHY, LIMB-GIRDLE, TYPE 2K. Identifiers: Orphanet 86812, MedGen C1836373, MONDO:0012248, OMIM 609308.

Submission:

Labcorp Genetics (formerly Invitae), Labcorp
Classification: Likely pathogenic for Muscular dystrophy-dystroglycanopathy (congenital with impaired intellectual development), type B, 1; Walker-Warburg congenital muscular dystrophy; Autosomal recessive limb-girdle muscular dystrophy type 2K. Last evaluated: 2024-02-08. Review status: criteria provided, single submitter. Criteria: Invitae Variant Classification Sherloc (09022015). Collection method: clinical testing. Allele origin: germline.
Comment: This sequence change affects an acceptor splice site in intron 10 of the POMT1 gene. It is expected to disrupt RNA splicing. Variants that disrupt the donor or acceptor splice site typically lead to a loss of protein function (PMID: 16199547), and loss-of-function variants in POMT1 are known to be pathogenic (PMID: 12369018, 15637732, 16575835). This variant is not present in population databases (gnomAD no frequency). This variant has not been reported in the literature in individuals affected with POMT1-related conditions. Algorithms developed to predict the effect of sequence changes on RNA splicing suggest that this variant may disrupt the consensus splice site. In summary, the currently available evidence indicates that the variant is pathogenic, but additional data are needed to prove that conclusively. Therefore, this variant has been classified as Likely Pathogenic.

Literature cited by the submitters: PubMed 16199547; PubMed 12369018; PubMed 15637732; PubMed 16575835.